The following is an entry in ClinVar:

NM_000088.4(COL1A1):c.1929+11A>T

Gene: COL1A1 (collagen type I alpha 1 chain; minus strand). Cytogenetic location: 17q21.33.
Variant type: single nucleotide variant.
Coding change: c.1929+11A>T on transcript NM_000088.4 (MANE Select); 11 bases into the intron after coding-DNA position 1929, A replaced by T.
Molecular consequence: intron variant.
Genome position (GRCh38, 1-based): chr17:50,192,629, T>A on the plus strand (A>T on the coding strand, the complement: COL1A1 is on the minus strand). VCF-style: chr17-50192629-T-A. GRCh37 (hg19) VCF-style: chr17-48269990-T-A.
Identifiers: ClinVar variation 4689256 (VCV004689256.1).

ClinVar aggregate classification (germline): Likely benign (1 of 4 stars; one submission).

Submission:

Women's Health and Genetics/Laboratory Corporation of America, LabCorp
Classification: Likely benign. Last evaluated: 2026-01-19. Review status: criteria provided, single submitter. Criteria: LabCorp Variant Classification Summary - May 2015. Collection method: clinical testing. Allele origin: germline.
Comment: Variant summary: COL1A1 c.1929+11A>T alters a non-conserved nucleotide located at a position not widely known to affect splicing. Consensus agreement among computation tools predict no significant impact on normal splicing. However, these predictions have yet to be confirmed by functional studies. The variant was absent in 251446 control chromosomes. The available data on variant occurrences in the general population are insufficient to allow any conclusion about variant significance. To our knowledge, no occurrence of c.1929+11A>T in individuals affected with COL1A1-related conditions and no experimental evidence demonstrating its impact on protein function have been reported. No submitters have cited clinical-significance assessments for this variant to ClinVar. Based on the evidence outlined above, the variant was classified as likely benign.